The following is an entry in ClinVar:

NM_003482.4(KMT2D):c.13102dup (p.Thr4368fs)

Gene: KMT2D (lysine methyltransferase 2D; minus strand). Cytogenetic location: 12q13.12.
Variant type: Duplication.
Coding change: c.13102dup on transcript NM_003482.4 (MANE Select); coding-DNA position 13102, one base duplicated (A; older notation c.13102dupA).
Protein change: p.Thr4368fs; shifts the reading frame from threonine 4368.
Molecular consequence: frameshift variant.
Genome position (GRCh38, 1-based): chr12:49,031,603, T duplicated on the plus strand (A on the coding strand, the reverse complement: KMT2D is on the minus strand). VCF-style (leftmost placement, unchanged base first): chr12-49031602-G-GT. GRCh37 (hg19) VCF-style: chr12-49425385-G-GT.
Other names: short protein forms T4368fs.
Identifiers: ClinVar variation 4888104 (VCV004888104.1).
Genomic context (GRCh38, chr12:49,031,602, plus strand): 5'-TTCTGGGTTTCTGCTAGGTTGTCTGGGGGATCCCAAGGTCCCAGACCCTTGCTAAACAAG[G>GT]TATCTGCAAGCTGGGCAGCAGCAGGTGAGACCCTCCCAGGAGGCGGCTCCAAGGTTGGCC-3'

ClinVar aggregate classification (germline): Pathogenic (1 of 4 stars; one submission).

Submission:

GeneDx
Classification: Pathogenic. Last evaluated: 2026-03-04. Review status: criteria provided, single submitter. Criteria: GeneDx Variant Classification Process June 2021. Collection method: clinical testing. Allele origin: germline.
Comment: Frameshift variant predicted to result in protein truncation or nonsense mediated decay in a gene for which loss of function is a known mechanism of disease; Not observed at significant frequency in large population cohorts (gnomAD); This variant is associated with the following publications: (PMID: 35066646, 22126750)